The following is an entry in ClinVar:

NM_005732.4(RAD50):c.166G>A (p.Asp56Asn)

Gene: RAD50 (RAD50 double strand break repair protein; plus strand). Cytogenetic location: 5q31.1.
Variant type: single nucleotide variant.
Coding change: c.166G>A on transcript NM_005732.4 (MANE Select); coding-DNA position 166, G replaced by A.
Protein change: p.Asp56Asn; replaces aspartic acid 56 with asparagine.
Molecular consequence: missense variant.
Genome position (GRCh38, 1-based): chr5:132,559,320, G>A. VCF-style: chr5-132559320-G-A. GRCh37 (hg19) VCF-style: chr5-131895012-G-A.
Other names: short protein forms D56N.
Identifiers: ClinVar variation 2845339 (VCV002845339.3), dbSNP rs2479579672, ClinGen allele CA360953429.

ClinVar aggregate classification (germline): Uncertain significance (1 of 4 stars; one submission).

Conditions:
Hereditary cancer-predisposing syndrome. Also called: Neoplastic Syndromes, Hereditary; Hereditary Cancer Syndrome; Hereditary neoplastic syndrome; Tumor predisposition. Identifiers: Orphanet 140162, MedGen C0027672, MeSH D009386, MONDO:0015356.

Submission:

Labcorp Genetics (formerly Invitae), Labcorp
Classification: Uncertain significance for Hereditary cancer-predisposing syndrome. Last evaluated: 2023-03-13. Review status: criteria provided, single submitter. Criteria: Invitae Variant Classification Sherloc (09022015). Collection method: clinical testing. Allele origin: germline.
Comment: In summary, the available evidence is currently insufficient to determine the role of this variant in disease. Therefore, it has been classified as a Variant of Uncertain Significance. Advanced modeling of protein sequence and biophysical properties (such as structural, functional, and spatial information, amino acid conservation, physicochemical variation, residue mobility, and thermodynamic stability) performed at Invitae indicates that this missense variant is not expected to disrupt RAD50 protein function. This variant has not been reported in the literature in individuals affected with RAD50-related conditions. This variant is not present in population databases (gnomAD no frequency). This sequence change replaces aspartic acid, which is acidic and polar, with asparagine, which is neutral and polar, at codon 56 of the RAD50 protein (p.Asp56Asn).